The following is an entry in ClinVar:

NM_000051.4(ATM):c.4330C>G (p.Leu1444Val)

Gene: ATM (ATM serine/threonine kinase; plus strand). Cytogenetic location: 11q22.3.
Variant type: single nucleotide variant.
Coding change: c.4330C>G on transcript NM_000051.4 (MANE Select); coding-DNA position 4330, C replaced by G.
Protein change: p.Leu1444Val; replaces leucine 1444 with valine.
Molecular consequence: missense variant.
Genome position (GRCh38, 1-based): chr11:108,289,695, C>G. VCF-style: chr11-108289695-C-G. GRCh37 (hg19) VCF-style: chr11-108160422-C-G.
Other names: c.4330C>G, p.Leu1444Val (NM_001351834.2); short protein forms L1444V.
Identifiers: ClinVar variation 2732743 (VCV002732743.3), dbSNP rs2135762205, ClinGen allele CA382531896.

ClinVar aggregate classification (germline): Uncertain significance (1 of 4 stars; one submission).

Conditions:
Ataxia-telangiectasia syndrome (AT). Also called: Cerebello-oculocutaneous telangiectasia; Immunodeficiency with ataxia telangiectasia; Ataxia-telangiectasia, complementation group E; Ataxia-telangiectasia, complementation group D; AT, COMPLEMENTATION GROUP C; ATAXIA-TELANGIECTASIA, COMPLEMENTATION GROUP A. Identifiers: Orphanet 100, MedGen C0004135, MONDO:0008840, OMIM 208900.

Allele frequency attached by ClinVar (database versions not stated): gnomAD exomes below 0.00001.
gnomAD v4.1: 1 of 1,613,372 alleles (0.000062%); highest among the groups gnomAD compares: Non-Finnish European, 0.000085%; no homozygotes.

Submission:

Labcorp Genetics (formerly Invitae), Labcorp
Classification: Uncertain significance for Ataxia-telangiectasia syndrome. Last evaluated: 2023-06-29. Review status: criteria provided, single submitter. Criteria: Invitae Variant Classification Sherloc (09022015). Collection method: clinical testing. Allele origin: germline.
Comment: This variant has not been reported in the literature in individuals affected with ATM-related conditions. This variant is not present in population databases (gnomAD no frequency). This sequence change replaces leucine, which is neutral and non-polar, with valine, which is neutral and non-polar, at codon 1444 of the ATM protein (p.Leu1444Val). In summary, the available evidence is currently insufficient to determine the role of this variant in disease. Therefore, it has been classified as a Variant of Uncertain Significance. An algorithm developed to predict the effect of missense changes on protein structure and function (PolyPhen-2) suggests that this variant is likely to be tolerated.